The following is an entry in ClinVar:

NM_022041.4(GAN):c.*472C>G

Gene: GAN (gigaxonin; plus strand). Cytogenetic location: 16q23.2.
Variant type: single nucleotide variant.
Coding change: c.*472C>G on transcript NM_022041.4 (MANE Select); 472 bases downstream of the stop codon, C replaced by G.
Molecular consequence: 3 prime UTR variant.
Genome position (GRCh38, 1-based): chr16:81,378,068, C>G. VCF-style: chr16-81378068-C-G. GRCh37 (hg19) VCF-style: chr16-81411673-C-G.
Other names: c.*472C>G (NM_001377486.1).
Identifiers: ClinVar variation 320674 (VCV000320674.6), dbSNP rs1816122, ClinGen allele CA10644324.
Genomic context (GRCh38, chr16:81,378,068, plus strand): 5'-CATATCCAAACATGCCAAGACTGCTTTTCCACTGCACTTGGAAGGATATATTATGCCTAA[C>G]CCTGCCCAACAAATTAAGGTTTGTGCCTAAAATGTTAGATTGGACTGTATGCCAGTTAGT-3'

ClinVar aggregate classification (germline): Benign. Review status: criteria provided, multiple submitters, no conflicts (2 of 4 stars). 2 submissions from 2 submitters: Benign (2). Last evaluated 2018-01-13.

Conditions:
Giant axonal neuropathy 1 (GAN1). Also called: GAN-Related Neurodegeneration; GIANT AXONAL NEUROPATHY 1, AUTOSOMAL RECESSIVE. Identifiers: Orphanet 643, MedGen C1850386, MONDO:0009749, OMIM 256850.

Allele frequency attached by ClinVar (database versions not stated): gnomAD 0.61663 and 0.62012; TOPMed 0.63732; gnomAD exomes 0.64752; 1000 Genomes Project 0.67113; 1000 Genomes Project 30x 0.67224.
gnomAD v4.1: 128,463 of 204,854 alleles (63%); highest among the groups gnomAD compares: East Asian, 82%; 40,542 homozygotes.

Submissions (2):

Illumina Laboratory Services, Illumina
Classification: Benign for Giant axonal neuropathy 1. Last evaluated: 2018-01-13. Review status: criteria provided, single submitter. Criteria: ICSL Variant Classification Criteria 13 December 2019. Collection method: clinical testing. Allele origin: germline.
Comment: This variant was observed in the ICSL laboratory as part of a predisposition screen in an ostensibly healthy population. It had not been previously curated by ICSL or reported in the Human Gene Mutation Database (HGMD: prior to June 1st, 2018), and was therefore a candidate for classification through an automated scoring system. Utilizing variant allele frequency, disease prevalence and penetrance estimates, and inheritance mode, an automated score was calculated to assess if this variant is too frequent to cause the disease. Based on the score and internal cut-off values, a variant classified as benign is not then subjected to further curation. The score for this variant resulted in a classification of benign for this disease.

Breakthrough Genomics
Classification: Benign. Review status: criteria provided, single submitter. Criteria: ACMG Guidelines, 2015. Collection method: not provided. Allele origin: germline. Inheritance: Autosomal recessive inheritance. Affected: yes.